The following is an entry in ClinVar:

NM_001148.6(ANK2):c.6609A>C (p.Glu2203Asp)

Gene: ANK2 (ankyrin 2; plus strand). Cytogenetic location: 4q26.
Variant type: single nucleotide variant.
Coding change: c.6609A>C on transcript NM_001148.6 (MANE Select); coding-DNA position 6609, A replaced by C.
Protein change: p.Glu2203Asp; replaces glutamic acid 2203 with aspartic acid.
Molecular consequence: missense variant. On other transcripts: intron variant (68).
Genome position (GRCh38, 1-based): chr4:113,355,227, A>C. VCF-style: chr4-113355227-A-C. GRCh37 (hg19) VCF-style: chr4-114276383-A-C.
Other names: c.6375A>C, p.Glu2125Asp (NM_001386142.1); c.3009A>C, p.Glu1003Asp (NM_001386166.1); c.6750A>C, p.Glu2250Asp (NM_001386174.1); c.6726A>C, p.Glu2242Asp (NM_001386175.1); c.4411+4978A>C (NM_001386186.2, NM_001386148.2); c.4213+4978A>C (NM_001354269.3); c.4291+4978A>C (NM_001386187.2); c.4252+4978A>C (NM_001386147.1); and 35 more; short protein forms E2125D, E2250D, E1003D, E2203D, E2242D.
Identifiers: ClinVar variation 2450653 (VCV002450653.2), dbSNP rs2095672351, ClinGen allele CA357924640.
Genomic context (GRCh38, chr4:113,355,227, plus strand): 5'-GAAAGATGAGTTCCTTCCAGCTCTGTCTTTACAAAGCGGTGCTTTAGATGGCAGTTCTGA[A>C]AGCCTAAAGAATGAGGGGGTAGCCGGCTCTCCGTGTGGCAGCCTGATGGAGGGGACCCCT-3'
Protein context (NP_001139.3, residues 2193-2213): LQSGALDGSS[Glu2203Asp]SLKNEGVAGS

ClinVar aggregate classification (germline): Uncertain significance (1 of 4 stars; one submission).

Conditions:
Cardiovascular phenotype. Identifiers: MedGen CN230736.

Submission:

Ambry Genetics
Classification: Uncertain significance for Cardiovascular phenotype. Last evaluated: 2023-02-16. Review status: criteria provided, single submitter. Criteria: Ambry Variant Classification Scheme 2023. Collection method: clinical testing. Allele origin: germline.
Comment: The p.E2203D variant (also known as c.6609A>C), located in coding exon 38 of the ANK2 gene, results from an A to C substitution at nucleotide position 6609. The glutamic acid at codon 2203 is replaced by aspartic acid, an amino acid with highly similar properties. This amino acid position is conserved. In addition, this alteration is predicted to be tolerated by in silico analysis. Since supporting evidence is limited at this time, the clinical significance of this alteration remains unclear.